The following is an entry in ClinVar:

ClinVar aggregate classification (germline): Uncertain significance. Review status: criteria provided, multiple submitters, no conflicts (2 of 4 stars). 2 submissions from 2 submitters: Uncertain significance (2). Last evaluated 2024-06-13.

Conditions:
Inborn genetic diseases. Identifiers: MedGen C0950123, MeSH D030342.

Allele frequency attached by ClinVar (database versions not stated): gnomAD 0.00001; gnomAD exomes below 0.00001; TOPMed 0.00001.
gnomAD v4.1: 5 of 1,595,920 alleles (0.00031%); highest among the groups gnomAD compares: Non-Finnish European, 0.00026%; no homozygotes.

Submissions (2):

GeneDx
Classification: Uncertain significance. Last evaluated: 2024-06-13. Review status: criteria provided, single submitter. Criteria: GeneDx Variant Classification Process June 2021. Collection method: clinical testing. Allele origin: germline.
Comment: In silico analysis supports that this missense variant has a deleterious effect on protein structure/function; Not observed at significant frequency in large population cohorts (gnomAD); Has not been previously published as pathogenic or benign to our knowledge

Ambry Genetics
Classification: Uncertain significance for Inborn genetic diseases. Last evaluated: 2021-08-30. Review status: criteria provided, single submitter. Criteria: Ambry Variant Classification Scheme 2023. Collection method: clinical testing. Allele origin: germline.

NM_020971.3(SPTBN4):c.3029T>C (p.Val1010Ala)

Gene: SPTBN4 (spectrin beta, non-erythrocytic 4; plus strand). Cytogenetic location: 19q13.2.
Variant type: single nucleotide variant.
Coding change: c.3029T>C on transcript NM_020971.3 (MANE Select); coding-DNA position 3029, T replaced by C.
Protein change: p.Val1010Ala; replaces valine 1010 with alanine.
Molecular consequence: missense variant.
Genome position (GRCh38, 1-based): chr19:40,519,526, T>C. VCF-style: chr19-40519526-T-C. GRCh37 (hg19) VCF-style: chr19-41025433-T-C.
Other names: short protein forms V1010A.
Identifiers: ClinVar variation 1698051 (VCV001698051.6), dbSNP rs1447626153, ClinGen allele CA405914998.
Genomic context (GRCh38, chr19:40,519,526, plus strand): 5'-AGAACCACGTGCTGGAGGTGGCCGAGGTGCGCGCCCAGGTGCGTGAGAAGCGGAGAGCTG[T>C]GGAGAGCGCGCCCCGGGCCGGCGGCGCCCTGCAGTGGCGTCTTAGCGGCCTAGAGGCCGC-3'
Protein context (NP_066022.2, residues 1000-1020): RAQVREKRRA[Val1010Ala]ESAPRAGGAL